The following is an entry in ClinVar:

ClinVar aggregate classification (germline): Pathogenic. Review status: criteria provided, multiple submitters, no conflicts (2 of 4 stars). 2 submissions from 2 submitters: Pathogenic (2). Last evaluated 2023-12-07.

Conditions:
Deficiency of steroid 17-alpha-monooxygenase. Also called: 17-alpha-hydroxylase/17,20-lyase deficiency; ADRENAL HYPERPLASIA V; 17-ALPHA-HYDROXYLASE DEFICIENCY; Congenital adrenal hyperplasia due to 17-alpha-hydroxylase deficiency; Congenital adrenal hyperplasia type 5. Identifiers: Orphanet 90793, MedGen C0268285, MONDO:0008730, OMIM 202110.

Submissions (2):

Labcorp Genetics (formerly Invitae), Labcorp
Classification: Pathogenic. Last evaluated: 2023-12-07. Review status: criteria provided, single submitter. Criteria: Invitae Variant Classification Sherloc (09022015). Collection method: clinical testing. Allele origin: germline.
Comment: This variant results in the deletion of part of exon 4 (c.667-16_680del) of the CYP17A1 gene. It is expected to disrupt RNA splicing. Variants that disrupt the donor or acceptor splice site typically lead to a loss of protein function (PMID: 16199547), and loss-of-function variants in CYP17A1 are known to be pathogenic (PMID: 10720067, 14747197, 17192295, 20197673, 24140098). This variant is not present in population databases (gnomAD no frequency). This variant has been observed in individual(s) with congenital adrenal hyperplasia (PMID: 32215889). It has also been observed to segregate with disease in related individuals. This variant is also known as 30 bp deletion, p.I223Nfs*10. For these reasons, this variant has been classified as Pathogenic.

Baylor Genetics
Classification: Pathogenic for Deficiency of steroid 17-alpha-monooxygenase. Last evaluated: 2023-03-12. Review status: criteria provided, single submitter. Criteria: ACMG Guidelines, 2015. Collection method: clinical testing. Allele origin: unknown.

Literature cited by the submitters: PubMed 16199547 (cited by Labcorp Genetics (formerly Invitae), Labcorp); PubMed 10720067 (cited by Labcorp Genetics (formerly Invitae), Labcorp); PubMed 14747197 (cited by Labcorp Genetics (formerly Invitae), Labcorp); PubMed 17192295 (cited by Labcorp Genetics (formerly Invitae), Labcorp); PubMed 20197673 (cited by Labcorp Genetics (formerly Invitae), Labcorp); PubMed 24140098 (cited by Labcorp Genetics (formerly Invitae), Labcorp); PubMed 32215889 (cited by Labcorp Genetics (formerly Invitae), Labcorp).

NM_000102.4(CYP17A1):c.667-16_680del

Genes: CYP17A1 (cytochrome P450 family 17 subfamily A member 1; minus strand), CYP17A1-AS1 (CYP17A1 antisense RNA 1; plus strand). Cytogenetic location: 10q24.32.
Variant type: Deletion.
Coding change: c.667-16_680del on transcript NM_000102.4 (MANE Select); 16 bases into the intron before coding-DNA position 667 through coding-DNA position 680, 30 bases deleted (TCTTTTTATTTCCCAGATTTTCCCCAACAA).
Molecular consequence: splice acceptor variant.
Genome position (GRCh38, 1-based): chr10:102,834,109-102,834,138, TTGTTGGGGAAAATCTGGGAAATAAAAAGA deleted on the plus strand (TCTTTTTATTTCCCAGATTTTCCCCAACAA on the coding strand, the reverse complement: CYP17A1 is on the minus strand). VCF-style (leftmost placement, unchanged base first): chr10-102834108-TTTGTTGGGGAAAATCTGGGAAATAAAAAGA-T. GRCh37 (hg19) VCF-style: chr10-104593865-TTTGTTGGGGAAAATCTGGGAAATAAAAAGA-T.
Identifiers: ClinVar variation 2681110 (VCV002681110.4), dbSNP rs2493240521, ClinGen allele CA2695201045.